The following is an entry in ClinVar:

NM_005629.4(SLC6A8):c.1557G>A (p.Met519Ile)

Gene: SLC6A8 (solute carrier family 6 member 8; plus strand). Cytogenetic location: Xq28.
Variant type: single nucleotide variant.
Coding change: c.1557G>A on transcript NM_005629.4 (MANE Select); coding-DNA position 1557, G replaced by A.
Protein change: p.Met519Ile; replaces methionine 519 with isoleucine.
Molecular consequence: missense variant.
Genome position (GRCh38, 1-based): chrX:153,694,594, G>A. VCF-style: chrX-153694594-G-A. GRCh37 (hg19) VCF-style: chrX-152960049-G-A.
Other names: c.1527G>A, p.Met509Ile (NM_001142805.2); c.1212G>A, p.Met404Ile (NM_001142806.1); short protein forms M509I, M404I, M519I.
Identifiers: ClinVar variation 2777496 (VCV002777496.3), dbSNP rs2522168764, ClinGen allele CA415088463.
Genomic context (GRCh38, chrX:153,694,594, plus strand): 5'-AGCTGACCGCTTCATGGACGACATTGCCTGTATGATCGGGTACCGACCTTGCCCCTGGAT[G>A]AAATGGTGCTGGTCCTTCTTCACCCCGCTGGTCTGCATGGTAAGGGCTGGGGGAGGTGGG-3'
Protein context (NP_005620.1, residues 509-529): CMIGYRPCPW[Met519Ile]KWCWSFFTPL

ClinVar aggregate classification (germline): Uncertain significance (1 of 4 stars; one submission).

Conditions:
Creatine transporter deficiency (CCDS1). Also called: Creatine Transporter (CRTR) Deficiency; Mental retardation , X-linked with seizures, short stature and midface hypoplasia; Mental retardation , X-linked, with creatine transport deficiency; X-linked creatine transporter deficiency; X-linked creatine deficiency syndrome; SLC6A8-Related Creatine Transporter Deficiency. Identifiers: Orphanet 52503, MedGen C1845862, MONDO:0010305, OMIM 300352.

Submission:

Labcorp Genetics (formerly Invitae), Labcorp
Classification: Uncertain significance for Creatine transporter deficiency. Last evaluated: 2023-10-12. Review status: criteria provided, single submitter. Criteria: Invitae Variant Classification Sherloc (09022015). Collection method: clinical testing. Allele origin: germline.
Comment: This sequence change replaces methionine, which is neutral and non-polar, with isoleucine, which is neutral and non-polar, at codon 519 of the SLC6A8 protein (p.Met519Ile). This variant is not present in population databases (gnomAD no frequency). This variant has not been reported in the literature in individuals affected with SLC6A8-related conditions. Advanced modeling of protein sequence and biophysical properties (such as structural, functional, and spatial information, amino acid conservation, physicochemical variation, residue mobility, and thermodynamic stability) performed at Invitae indicates that this missense variant is not expected to disrupt SLC6A8 protein function. In summary, the available evidence is currently insufficient to determine the role of this variant in disease. Therefore, it has been classified as a Variant of Uncertain Significance.